The following is an entry in ClinVar:

NM_016507.4(CDK12):c.149C>G (p.Ser50Cys)

Genes: CDK12 (cyclin dependent kinase 12; plus strand), LOC126862553 (CDK7 strongly-dependent group 2 enhancer GRCh37_chr17:37618166-37619365; plus strand). Cytogenetic location: 17q12.
Variant type: single nucleotide variant.
Coding change: c.149C>G on transcript NM_016507.4 (MANE Select); coding-DNA position 149, C replaced by G.
Protein change: p.Ser50Cys; replaces serine 50 with cysteine.
Molecular consequence: missense variant.
Genome position (GRCh38, 1-based): chr17:39,462,220, C>G. VCF-style: chr17-39462220-C-G. GRCh37 (hg19) VCF-style: chr17-37618473-C-G.
Other names: c.149C>G, p.Ser50Cys (NM_015083.4); short protein forms S50C.
Identifiers: ClinVar variation 3830678 (VCV003830678.1).

ClinVar aggregate classification (germline): Uncertain significance (1 of 4 stars; one submission).

gnomAD v4.1: 1 of 1,614,210 alleles (0.000062%); no homozygotes.

Submission:

Ambry Genetics
Classification: Uncertain significance. Last evaluated: 2025-02-16. Review status: criteria provided, single submitter. Criteria: Ambry Variant Classification Scheme 2023. Collection method: clinical testing. Allele origin: germline.
Comment: The p.S50C variant (also known as c.149C>G), located in coding exon 1 of the CDK12 gene, results from a C to G substitution at nucleotide position 149. The serine at codon 50 is replaced by cysteine, an amino acid with dissimilar properties. This amino acid position is conserved. In addition, this alteration is predicted to be tolerated by in silico analysis. Based on the available evidence, the clinical significance of this variant remains unclear.